The following is an entry in ClinVar:

NM_003107.3(SOX4):c.1184C>A (p.Ser395Ter)

Gene: SOX4 (SRY-box transcription factor 4; plus strand). Cytogenetic location: 6p22.3.
Variant type: single nucleotide variant.
Coding change: c.1184C>A on transcript NM_003107.3 (MANE Select); coding-DNA position 1184, C replaced by A.
Protein change: p.Ser395Ter; replaces serine 395 with a stop codon.
Molecular consequence: nonsense.
Genome position (GRCh38, 1-based): chr6:21,595,718, C>A. VCF-style: chr6-21595718-C-A. GRCh37 (hg19) VCF-style: chr6-21595949-C-A.
Other names: c.1184C>A (NM_003107.2); short protein forms S395*.
Identifiers: ClinVar variation 809882 (VCV000809882.43), dbSNP rs201405209, ClinGen allele CA363272110.

ClinVar aggregate classification (germline): Uncertain significance. Review status: criteria provided, multiple submitters, no conflicts (2 of 4 stars). 2 submissions from 2 submitters: Uncertain significance (2). Last evaluated 2024-01-29.

Submissions (2):

GeneDx
Classification: Uncertain significance. Last evaluated: 2024-01-29. Review status: criteria provided, single submitter. Criteria: GeneDx Variant Classification Process June 2021. Collection method: clinical testing. Allele origin: germline. Affected: yes.
Comment: Nonsense variant predicted to result in protein truncation as the last 80 amino acids are lost; Not observed at significant frequency in large population cohorts (gnomAD); Has not been previously published as pathogenic or benign to our knowledge

CeGaT Center for Human Genetics Tuebingen
Classification: Uncertain significance. Last evaluated: 2016-11-01. Review status: criteria provided, single submitter. Criteria: CeGaT Center For Human Genetics Tuebingen Variant Classification Criteria Version 2. Collection method: clinical testing. Allele origin: germline. Affected: yes. Observed: 1 variant allele.